The following is an entry in ClinVar:

ClinVar aggregate classification (germline): Uncertain significance. Review status: criteria provided, multiple submitters, no conflicts (2 of 4 stars). 2 submissions from 2 submitters: Uncertain significance (2). Last evaluated 2025-03-26.

Conditions:
Inborn genetic diseases. Identifiers: MedGen C0950123, MeSH D030342.
CK syndrome. Also called: MENTAL RETARDATION, X-LINKED, WITH THIN BODY HABITUS AND CORTICAL MALFORMATION. Identifiers: Orphanet 251383, MedGen C3151781, MONDO:0010441, OMIM 300831.

Submissions (2):

Ambry Genetics
Classification: Uncertain significance for Inborn genetic diseases. Last evaluated: 2025-03-26. Review status: criteria provided, single submitter. Criteria: Ambry Variant Classification Scheme 2023. Collection method: clinical testing. Allele origin: germline.

Victorian Clinical Genetics Services, Murdoch Childrens Research Institute
Classification: Uncertain significance for CK syndrome. Last evaluated: 2024-10-08. Review status: criteria provided, single submitter. Criteria: ACMG Guidelines, 2015. Collection method: clinical testing. Allele origin: germline. Inheritance: X-linked recessive inheritance. Affected: yes.
Comment: Based on the classification scheme VCGS_Germline_v1.3.4, this variant is classified as VUS-3C. Following criteria are met: 0102 - Loss of function is a known mechanism of disease in this gene and is associated with CHILD syndrome (MIM#308050) and CK syndrome (MIM#300831). The former is causes by complete loss of function variants while the later is caused by hypomorphic partial loss of function variants (PMIDs: 21129721, 21290788). (I) 0108 - This gene is associated with both recessive and dominant disease. CHILD syndrome (MIM#308050) in inherited in an X-linked dominant manner where heterozygous females are affected and it is usually lethal in hemizygous males. CK syndrome (MIM#300831) is inherited in an X-linked recessive manner where hemizygous males survive and are affected while heterozygous females are typically unaffected or only mildly affected (PMIDs: 21129721, 21290788). (I). (I) 0115 - Variants in this gene are known to have variable expressivity (PMID: 21290788). (I) 0200 - Variant is predicted to result in a missense amino acid change from valine to isoleucine. (I) 0253 - This variant is hemizygous. (I) 0301 - Variant is absent from gnomAD (both v2 and v3). (SP) 0503 - Missense variant consistently predicted to be tolerated by multiple in silico tools or not conserved in placental mammals with a minor amino acid change. (SB) 0600 - Variant is located in the annotated 3-beta hydroxysteroid dehydrogenase/isomerase family domain (DECIPHER). (I) 0705 - No comparable missense variants have previous evidence for pathogenicity. (I) 0807 - This variant has no previous evidence of pathogenicity. (I) 0905 - No published segregation evidence has been identified for this variant. (I) 1007 - No published functional evidence has been identified for this variant. (I) Legend: (SP) - Supporting pathogenic, (I) - Information, (SB) - Supporting benign

Literature cited by the submitters: PubMed 21129721 (cited by Victorian Clinical Genetics Services, Murdoch Childrens Research Institute); PubMed 21290788 (cited by Victorian Clinical Genetics Services, Murdoch Childrens Research Institute).

NM_015922.3(NSDHL):c.457G>A (p.Val153Ile)

Gene: NSDHL (NAD(P) dependent 3-beta-hydroxysteroid dehydrogenase NSDHL; plus strand). Cytogenetic location: Xq28.
Variant type: single nucleotide variant.
Coding change: c.457G>A on transcript NM_015922.3 (MANE Select); coding-DNA position 457, G replaced by A.
Protein change: p.Val153Ile; replaces valine 153 with isoleucine.
Molecular consequence: missense variant.
Genome position (GRCh38, 1-based): chrX:152,862,638, G>A. VCF-style: chrX-152862638-G-A. GRCh37 (hg19) VCF-style: chrX-152031182-G-A.
Other names: c.457G>A, p.Val153Ile (NM_001129765.2); short protein forms V153I.
Identifiers: ClinVar variation 3377357 (VCV003377357.2).